The following is an entry in ClinVar:

ClinVar aggregate classification (germline): Uncertain significance (1 of 4 stars; one submission).

Conditions:
Familial focal epilepsy with variable foci (FPEVF). Identifiers: Orphanet 98820, MedGen C1858477, MONDO:0020310.

Allele frequency attached by ClinVar (database versions not stated): TOPMed below 0.00001; ExAC 0.00001; gnomAD exomes 0.00001; gnomAD 0.00002.
gnomAD v4.1: 13 of 1,613,986 alleles (0.00081%); highest among the groups gnomAD compares: Middle Eastern, 0.016%; no homozygotes.

Submission:

Labcorp Genetics (formerly Invitae), Labcorp
Classification: Uncertain significance for Familial focal epilepsy with variable foci. Last evaluated: 2024-01-24. Review status: criteria provided, single submitter. Criteria: Invitae Variant Classification Sherloc (09022015). Collection method: clinical testing. Allele origin: germline.
Comment: This sequence change replaces arginine, which is basic and polar, with glutamine, which is neutral and polar, at codon 492 of the DEPDC5 protein (p.Arg492Gln). This variant is present in population databases (rs745893053, gnomAD 0.003%). This variant has not been reported in the literature in individuals affected with DEPDC5-related conditions. ClinVar contains an entry for this variant (Variation ID: 860499). Experimental studies and prediction algorithms are not available or were not evaluated, and the functional significance of this variant is currently unknown. In summary, the available evidence is currently insufficient to determine the role of this variant in disease. Therefore, it has been classified as a Variant of Uncertain Significance.

NM_001242896.3(DEPDC5):c.1475G>A (p.Arg492Gln)

Gene: DEPDC5 (DEP domain containing 5, GATOR1 subcomplex subunit; plus strand). Cytogenetic location: 22q12.3.
Variant type: single nucleotide variant.
Coding change: c.1475G>A on transcript NM_001242896.3 (MANE Select); coding-DNA position 1475, G replaced by A.
Protein change: p.Arg492Gln; replaces arginine 492 with glutamine.
Molecular consequence: missense variant. On other transcripts: non-coding transcript variant (5).
Genome position (GRCh38, 1-based): chr22:31,815,021, G>A. VCF-style: chr22-31815021-G-A. GRCh37 (hg19) VCF-style: chr22-32211007-G-A.
Other names: c.1475G>A, p.Arg492Gln (NM_001007188.4, NM_001136029.4, NM_001242897.2 and 7 more transcripts); c.1391G>A, p.Arg464Gln (NM_001369901.1, NM_001369902.1); short protein forms R492Q, R464Q.
Identifiers: ClinVar variation 860499 (VCV000860499.9), dbSNP rs745893053, ClinGen allele CA10196392.
Genomic context (GRCh38, chr22:31,815,021, plus strand): 5'-TGATGGTAACTTTTTGTCTCTTGCCTGGCAGATCTGTGCGAGAGCGAGAGAGTCACAGTC[G>A]AAAGAGTGCCAGCTCCTGTGATGTTTCATCCAGCCCTTCCCTACCAAGCCGCACACTGCC-3'
Protein context (NP_001229825.1, residues 482-502): RSVRERESHS[Arg492Gln]KSASSCDVSS